The following is an entry in ClinVar:

NM_017534.6(MYH2):c.2529G>C (p.Lys843Asn)

Genes: MYH2 (myosin heavy chain 2; minus strand), MYHAS (myosin heavy chain gene cluster antisense RNA; plus strand). Cytogenetic location: 17p13.1.
Variant type: single nucleotide variant.
Coding change: c.2529G>C on transcript NM_017534.6 (MANE Select); coding-DNA position 2529, G replaced by C.
Protein change: p.Lys843Asn; replaces lysine 843 with asparagine.
Molecular consequence: missense variant.
Genome position (GRCh38, 1-based): chr17:10,531,801, C>G on the plus strand (G>C on the coding strand, the complement: MYH2 is on the minus strand). VCF-style: chr17-10531801-C-G. GRCh37 (hg19) VCF-style: chr17-10435118-C-G.
Other names: c.2529G>C, p.Lys843Asn (NM_001100112.2); short protein forms K843N.
Identifiers: ClinVar variation 1495355 (VCV001495355.8), dbSNP rs2142303448, ClinGen allele CA398146148.

ClinVar aggregate classification (germline): Uncertain significance (1 of 4 stars; one submission).

Conditions:
Myopathy, proximal, and ophthalmoplegia (CMYO6). Also called: MYOPATHY WITH CONGENITAL JOINT CONTRACTURES, OPHTHALMOPLEGIA, AND RIMMED VACUOLES; CONGENITAL MYOPATHY 6 WITH OPHTHALMOPLEGIA; INCLUSION BODY MYOPATHY 3, AUTOSOMAL DOMINANT. Identifiers: Orphanet 363677, Orphanet 79091, MedGen C1854106, MONDO:0011577, OMIM 605637.

Submission:

Labcorp Genetics (formerly Invitae), Labcorp
Classification: Uncertain significance for Myopathy, proximal, and ophthalmoplegia. Last evaluated: 2022-03-02. Review status: criteria provided, single submitter. Criteria: Invitae Variant Classification Sherloc (09022015). Collection method: clinical testing. Allele origin: germline.
Comment: In summary, the available evidence is currently insufficient to determine the role of this variant in disease. Therefore, it has been classified as a Variant of Uncertain Significance. Algorithms developed to predict the effect of missense changes on protein structure and function (SIFT, PolyPhen-2, Align-GVGD) all suggest that this variant is likely to be disruptive. This variant has not been reported in the literature in individuals affected with MYH2-related conditions. This variant is not present in population databases (gnomAD no frequency). This sequence change replaces lysine, which is basic and polar, with asparagine, which is neutral and polar, at codon 843 of the MYH2 protein (p.Lys843Asn).